The following is an entry in ClinVar:

ClinVar aggregate classification (germline): Pathogenic (1 of 4 stars; one submission).

Conditions:
Mucopolysaccharidosis, MPS-III-A (MPS3A). Also called: HEPARAN SULFATE SULFATASE DEFICIENCY; SANFILIPPO SYNDROME A; SULFAMIDASE DEFICIENCY; MPS III A; Mucopolysaccharidosis type IIIA (Sanfilippo A); MUCOPOLYSACCHARIDOSIS, TYPE IIIA, ATTENUATED. Identifiers: Orphanet 581, Orphanet 79269, MedGen C0086647, MONDO:0009655, OMIM 252900.

Submission:

Labcorp Genetics (formerly Invitae), Labcorp
Classification: Pathogenic for Mucopolysaccharidosis, MPS-III-A. Last evaluated: 2023-12-20. Review status: criteria provided, single submitter. Criteria: Invitae Variant Classification Sherloc (09022015). Collection method: clinical testing. Allele origin: germline.
Comment: This sequence change results in a frameshift in the SGSH gene (p.His429Leufs*162). While this is not anticipated to result in nonsense mediated decay, it is expected to disrupt the last 74 amino acid(s) of the SGSH protein and extend the protein by 87 additional amino acid residues. This variant is not present in population databases (gnomAD no frequency). This variant has not been reported in the literature in individuals affected with SGSH-related conditions. This variant disrupts a region of the SGSH protein in which other variant(s) (p.Asp477Glu) have been determined to be pathogenic (PMID: 21204211; Invitae). This suggests that this is a clinically significant region of the protein, and that variants that disrupt it are likely to be disease-causing. For these reasons, this variant has been classified as Pathogenic.

Literature cited by the submitters: PubMed 21204211.

NM_000199.5(SGSH):c.1286del (p.His429fs)

Gene: SGSH (N-sulfoglucosamine sulfohydrolase; minus strand). Cytogenetic location: 17q25.3.
Variant type: Deletion.
Coding change: c.1286del on transcript NM_000199.5 (MANE Select); coding-DNA position 1286, one base deleted (A; older notation c.1286delA).
Protein change: p.His429fs; shifts the reading frame from histidine 429.
Molecular consequence: frameshift variant. On other transcripts: 3 prime UTR variant (2), non-coding transcript variant (1).
Genome position (GRCh38, 1-based): chr17:80,210,675, T deleted on the plus strand (A on the coding strand, the reverse complement: SGSH is on the minus strand). VCF-style (leftmost placement, unchanged base first): chr17-80210674-AT-A. GRCh37 (hg19) VCF-style: chr17-78184473-AT-A.
Other names: c.*373del (NM_001352921.3); c.*336del (NM_001352922.2); short protein forms H429fs.
Identifiers: ClinVar variation 2704472 (VCV002704472.3), dbSNP rs2510857524, ClinGen allele CA2697555250.
Genomic context (GRCh38, chr17:80,210,674, plus strand): 5'-CTGGGTCTCGTGGGGGTCCCGGCTCCGGTCGTAGAGCTCCCAGCGCGCCCGGTAGTAGTA[AT>A]GACGGAGGTCCTTGTACCAGCCCGTGGGCTGACCAGCTGTGGTGCGGTTCAGGAGGTCCT-3'